The following is an entry in ClinVar:

ClinVar aggregate classification (germline): Conflicting classifications of pathogenicity. Review status: criteria provided, conflicting classifications (1 of 4 stars). 10 submissions from 10 submitters: Uncertain significance (1); Benign (6); Likely benign (2). 1 of the submissions does not count toward it. Last evaluated 2026-09-01.

Conditions:
Cardiovascular phenotype. Identifiers: MedGen CN230736.
Dystrophin deficiency.
Duchenne muscular dystrophy (DMD). Also called: Duchenne Muscular Dystrophy (DMD); MUSCULAR DYSTROPHY, PSEUDOHYPERTROPHIC PROGRESSIVE, DUCHENNE TYPE. Identifiers: Orphanet 98896, MedGen C0013264, MONDO:0010679, OMIM 310200.
Becker muscular dystrophy (BMD). Also called: MUSCULAR DYSTROPHY, PSEUDOHYPERTROPHIC PROGRESSIVE, BECKER TYPE; Becker Muscular Dystrophy (BMD). Identifiers: Orphanet 98895, MedGen C0917713, MONDO:0010311, OMIM 300376.
Cardiomyopathy (CMYO). Also called: Cardiomyopathies. Identifiers: Orphanet 167848, MedGen C0878544, MONDO:0004994, HP:0001638. Inheritance: Various modes of inheritance.
Dilated cardiomyopathy 3B (CMD3B). Also called: CMD3B: DMD-Related Dilated Cardiomyopathy; CARDIOMYOPATHY, DILATED, X-LINKED; DMD-Associated Dilated Cardiomyopathy. Identifiers: Orphanet 154, MedGen C3668940, MONDO:0010542, OMIM 302045.

Allele frequency attached by ClinVar (database versions not stated): gnomAD 0.00018 and 0.00022; TOPMed 0.00037; 1000 Genomes Project 30x 0.00042; 1000 Genomes Project 0.00053; ExAC 0.00060; gnomAD exomes 0.00064.
gnomAD v4.1: 203 of 1,208,596 alleles (0.017%); highest among the groups gnomAD compares: East Asian, 0.5%; 2 homozygotes.

Submissions (10):

CeGaT Center for Human Genetics Tuebingen
Classification: Likely benign. Last evaluated: 2026-09-01. Review status: criteria provided, single submitter. Criteria: CeGaT Center For Human Genetics Tuebingen Variant Classification Criteria Version 2. Collection method: clinical testing. Allele origin: germline. Affected: yes. Observed: 2 variant alleles.
Comment: DMD: BP4, BS2

Labcorp Genetics (formerly Invitae), Labcorp
Classification: Benign for Duchenne muscular dystrophy. Last evaluated: 2026-02-01. Review status: criteria provided, single submitter. Criteria: Invitae Variant Classification Sherloc (09022015). Collection method: clinical testing. Allele origin: germline.

Women's Health and Genetics/Laboratory Corporation of America, LabCorp
Classification: Likely benign. Last evaluated: 2025-11-14. Review status: criteria provided, single submitter. Criteria: LabCorp Variant Classification Summary - May 2015. Collection method: clinical testing. Allele origin: germline.

GeneDx
Classification: Benign. Last evaluated: 2021-07-20. Review status: criteria provided, single submitter. Criteria: GeneDx Variant Classification Process June 2021. Collection method: clinical testing. Allele origin: germline. Affected: yes.
Comment: This variant is associated with the following publications: (PMID: 26582918, 26676145)

Ambry Genetics
Classification: Benign for Cardiovascular phenotype. Last evaluated: 2021-05-17. Review status: criteria provided, single submitter. Criteria: Ambry Variant Classification Scheme 2023. Collection method: clinical testing. Allele origin: germline.

Center for Advanced Laboratory Medicine, UC San Diego Health, University of California San Diego
Classification: Benign for Cardiomyopathy. Last evaluated: 2019-01-22. Review status: criteria provided, single submitter. Criteria: ACMG Guidelines, 2015. Collection method: clinical testing. Allele origin: germline. Affected: yes. Observed: 1 variant allele.

Illumina Laboratory Services, Illumina
Classification: Uncertain significance for Dilated cardiomyopathy 3B. Last evaluated: 2017-04-27. Review status: criteria provided, single submitter. Criteria: ICSL Variant Classification Criteria 13 December 2019. Collection method: clinical testing. Allele origin: germline.

Athena Diagnostics
Classification: Benign. Last evaluated: 2016-09-26. Review status: criteria provided, single submitter. Criteria: Athena Diagnostics Criteria. Collection method: clinical testing. Allele origin: germline.

Eurofins Ntd Llc (ga)
Classification: Benign. Last evaluated: 2015-02-18. Review status: criteria provided, single submitter. Criteria: EGL Classification Definitions 2015. Collection method: clinical testing. Allele origin: germline. Observed: 1 variant allele, 1 heterozygote.

Natera, Inc.
Classification: Likely benign for Becker muscular dystrophy; Cardiomyopathy; Duchenne muscular dystrophy; Dystrophin deficiency. Last evaluated: 2018-01-14. Review status: no assertion criteria provided. Collection method: clinical testing. Allele origin: germline. Not counted in ClinVar's aggregate classification.

NM_004006.3(DMD):c.2096C>G (p.Ala699Gly)

Gene: DMD (dystrophin; minus strand). Cytogenetic location: Xp21.1.
Variant type: single nucleotide variant.
Coding change: c.2096C>G on transcript NM_004006.3 (MANE Select); coding-DNA position 2096, C replaced by G.
Protein change: p.Ala699Gly; replaces alanine 699 with glycine.
Molecular consequence: missense variant.
Genome position (GRCh38, 1-based): chrX:32,545,231, G>C on the plus strand (C>G on the coding strand, the complement: DMD is on the minus strand). VCF-style: chrX-32545231-G-C. GRCh37 (hg19) VCF-style: chrX-32563348-G-C.
Other names: c.2072C>G, p.Ala691Gly (NM_000109.4); c.2084C>G, p.Ala695Gly (NM_004009.3); c.1727C>G, p.Ala576Gly (NM_004010.3); short protein forms A699G, A576G, A691G, A695G.
Identifiers: ClinVar variation 194741 (VCV000194741.29), dbSNP rs202008454, ClinGen allele CA201333.